The following is an entry in ClinVar:

ClinVar aggregate classification (germline): Uncertain significance. Review status: criteria provided, multiple submitters, no conflicts (2 of 4 stars). 4 submissions from 4 submitters: Uncertain significance (4). Last evaluated 2025-12-01.

Conditions:
Cardiovascular phenotype. Identifiers: MedGen CN230736.
Long QT syndrome 12 (LQT12). Identifiers: Orphanet 101016, Orphanet 768, MedGen C2751830, MONDO:0013062, OMIM 612955.
Long QT syndrome (LQTS). Identifiers: MedGen C0023976, MeSH D008133, MONDO:0002442. Disease mechanism: loss of function. Inheritance: Various modes of inheritance.

Allele frequency attached by ClinVar (database versions not stated): gnomAD 0.00001 and 0.00002; ExAC 0.00002; TOPMed 0.00002; gnomAD exomes 0.00003; 1000 Genomes Project 30x 0.00016; 1000 Genomes Project 0.00020.

Submissions (4):

Labcorp Genetics (formerly Invitae), Labcorp
Classification: Uncertain significance for Long QT syndrome. Last evaluated: 2025-12-01. Review status: criteria provided, single submitter. Criteria: Invitae Variant Classification Sherloc (09022015). Collection method: clinical testing. Allele origin: germline.
Comment: This sequence change replaces arginine, which is basic and polar, with tryptophan, which is neutral and slightly polar, at codon 106 of the SNTA1 protein (p.Arg106Trp). This variant is present in population databases (rs552509775, gnomAD 0.01%). This variant has not been reported in the literature in individuals affected with SNTA1-related conditions. ClinVar contains an entry for this variant (Variation ID: 1308602). Invitae Evidence Modeling of protein sequence and biophysical properties (such as structural, functional, and spatial information, amino acid conservation, physicochemical variation, residue mobility, and thermodynamic stability) indicates that this missense variant is expected to disrupt SNTA1 protein function with a positive predictive value of 80%. In summary, the available evidence is currently insufficient to determine the role of this variant in disease. Therefore, it has been classified as a Variant of Uncertain Significance.

GeneDx
Classification: Uncertain significance. Last evaluated: 2025-02-24. Review status: criteria provided, single submitter. Criteria: GeneDx Variant Classification Process June 2021. Collection method: clinical testing. Allele origin: germline. Affected: yes.
Comment: Identified in conjunction with several other variants via exome sequencing in a Chinese family with a history of atrial septal defect (ASD); the SNTA1 variant was not studied further, and the variant in LBX2 was found to be associated with ASD (PMID: 29669692); In silico analysis supports that this missense variant has a deleterious effect on protein structure/function; This variant is associated with the following publications: (PMID: 29669692)

Ambry Genetics
Classification: Uncertain significance for Cardiovascular phenotype. Last evaluated: 2024-01-29. Review status: criteria provided, single submitter. Criteria: Ambry Variant Classification Scheme 2023. Collection method: clinical testing. Allele origin: germline.
Comment: The p.R106W variant (also known as c.316C>T), located in coding exon 2 of the SNTA1 gene, results from a C to T substitution at nucleotide position 316. The arginine at codon 106 is replaced by tryptophan, an amino acid with dissimilar properties. This amino acid position is well conserved in available vertebrate species. In addition, this alteration is predicted to be tolerated by BayesDel in silico analysis. Since supporting evidence is limited at this time, the clinical significance of this alteration remains unclear.

Fulgent Genetics
Classification: Uncertain significance for Long QT syndrome 12. Last evaluated: 2021-09-16. Review status: criteria provided, single submitter. Criteria: ACMG Guidelines, 2015. Collection method: clinical testing. Allele origin: unknown.

NM_003098.3(SNTA1):c.316C>T (p.Arg106Trp)

Gene: SNTA1 (syntrophin alpha 1; minus strand). Cytogenetic location: 20q11.21.
Variant type: single nucleotide variant.
Coding change: c.316C>T on transcript NM_003098.3 (MANE Select); coding-DNA position 316, C replaced by T.
Protein change: p.Arg106Trp; replaces arginine 106 with tryptophan.
Molecular consequence: missense variant.
Genome position (GRCh38, 1-based): chr20:33,439,021, G>A on the plus strand (C>T on the coding strand, the complement: SNTA1 is on the minus strand). VCF-style: chr20-33439021-G-A. GRCh37 (hg19) VCF-style: chr20-32026827-G-A.
Other names: short protein forms R106W.
Identifiers: ClinVar variation 1308602 (VCV001308602.9), dbSNP rs552509775, ClinGen allele CA9817242.